The following is an entry in ClinVar:

ClinVar aggregate classification (germline): Pathogenic (1 of 4 stars; one submission).

Submission:

Labcorp Genetics (formerly Invitae), Labcorp
Classification: Pathogenic. Last evaluated: 2022-09-01. Review status: criteria provided, single submitter. Criteria: Invitae Variant Classification Sherloc (09022015). Collection method: clinical testing. Allele origin: germline.
Comment: For these reasons, this variant has been classified as Pathogenic. This variant has not been reported in the literature in individuals affected with KMT2C-related conditions. This variant is not present in population databases (gnomAD no frequency). This sequence change creates a premature translational stop signal (p.Val2989Serfs*44) in the KMT2C gene. It is expected to result in an absent or disrupted protein product. Loss-of-function variants in KMT2C are known to be pathogenic (PMID: 29069077).

Literature cited by the submitters: PubMed 29069077.

NM_170606.3(KMT2C):c.8965_8970delinsAGTACCTT (p.Val2989fs)

Gene: KMT2C (lysine methyltransferase 2C; minus strand). Cytogenetic location: 7q36.1.
Variant type: Indel.
Coding change: c.8965_8970delinsAGTACCTT on transcript NM_170606.3 (MANE Select); coding-DNA positions 8965 to 8970, GTAAAC replaced by AGTACCTT.
Protein change: p.Val2989fs; shifts the reading frame from valine 2989.
Molecular consequence: frameshift variant.
Genome position (GRCh38, 1-based): chr7:152,176,483-152,176,488, GTTTAC replaced by AAGGTACT on the plus strand (GTAAAC replaced by AGTACCTT on the coding strand, the reverse complement: KMT2C is on the minus strand). VCF-style: chr7-152176483-GTTTAC-AAGGTACT. GRCh37 (hg19) VCF-style: chr7-151873568-GTTTAC-AAGGTACT.
Other names: short protein forms V2989fs.
Identifiers: ClinVar variation 2073580 (VCV002073580.4), dbSNP rs2487767059, ClinGen allele CA2580077715.